The following is an entry in ClinVar:

NM_172245.4(CSF2RA):c.789G>C (p.Gln263His)

Gene: CSF2RA (colony stimulating factor 2 receptor subunit alpha; plus strand). Cytogenetic location: Xp22.33.
Variant type: single nucleotide variant.
Coding change: c.789G>C on transcript NM_172245.4 (MANE Select); coding-DNA position 789, G replaced by C.
Protein change: p.Gln263His; replaces glutamine 263 with histidine.
Molecular consequence: missense variant. On other transcripts: non-coding transcript variant (1), intron variant (2).
Genome position (GRCh38, 1-based): chrX:1,295,435, G>C. VCF-style: chrX-1295435-G-C. GRCh37 (hg19) VCF-style: chrX-1414328-G-C.
Other names: c.789G>C, p.Gln263His (NM_001161529.2, NM_001161530.2, NM_001161531.2 and 17 more transcripts); c.390G>C, p.Gln130His (NM_001161532.2); c.770G>C, p.Ser257Thr (NM_001379166.1); c.646+4926G>C (NM_172249.4); c.780+974G>C (NM_001379160.1); short protein forms Q263H, Q130H, S257T.
Identifiers: ClinVar variation 843537 (VCV000843537.9), dbSNP rs759171777, ClinGen allele CA10331011.

ClinVar aggregate classification (germline): Uncertain significance (1 of 4 stars; one submission).

Conditions:
Surfactant metabolism dysfunction, pulmonary, 4 (SMDP4). Also called: CSF2RA DEFICIENCY; PULMONARY ALVEOLAR PROTEINOSIS, CONGENITAL, 4; PAP DUE TO CSF2RA DEFICIENCY. Identifiers: Orphanet 264675, MedGen C2677877, MONDO:0010424, OMIM 300770.

Allele frequency attached by ClinVar (database versions not stated): gnomAD exomes 0.00001 and 0.00003; ExAC 0.00006; gnomAD 0.00009.
gnomAD v4.1: 30 of 1,613,380 alleles (0.0019%); highest among the groups gnomAD compares: Non-Finnish European, 0.0023%; no homozygotes.

Submission:

Labcorp Genetics (formerly Invitae), Labcorp
Classification: Uncertain significance for Surfactant metabolism dysfunction, pulmonary, 4. Last evaluated: 2023-11-03. Review status: criteria provided, single submitter. Criteria: Invitae Variant Classification Sherloc (09022015). Collection method: clinical testing. Allele origin: germline.
Comment: This sequence change replaces glutamine, which is neutral and polar, with histidine, which is basic and polar, at codon 263 of the CSF2RA protein (p.Gln263His). This variant is present in population databases (no rsID available, gnomAD 0.02%). This variant has not been reported in the literature in individuals affected with CSF2RA-related conditions. ClinVar contains an entry for this variant (Variation ID: 843537). Advanced modeling of protein sequence and biophysical properties (such as structural, functional, and spatial information, amino acid conservation, physicochemical variation, residue mobility, and thermodynamic stability) performed at Invitae indicates that this missense variant is not expected to disrupt CSF2RA protein function with a negative predictive value of 80%. In summary, the available evidence is currently insufficient to determine the role of this variant in disease. Therefore, it has been classified as a Variant of Uncertain Significance.